The following is an entry in ClinVar:

ClinVar aggregate classification (germline): Likely benign. Review status: criteria provided, multiple submitters, no conflicts (2 of 4 stars). 2 submissions from 2 submitters: Likely benign (2). Last evaluated 2025-12-26.

Conditions:
PCNT-related disorder. Also called: PCNT-related condition.

gnomAD v4.1: 1 of 1,609,884 alleles (0.000062%); highest among the groups gnomAD compares: African/African-American, 0.0013%; no homozygotes.

Submissions (2):

Labcorp Genetics (formerly Invitae), Labcorp
Classification: Likely benign. Last evaluated: 2025-12-26. Review status: criteria provided, single submitter. Criteria: Invitae Variant Classification Sherloc (09022015). Collection method: clinical testing. Allele origin: germline.

PreventionGenetics, part of Exact Sciences
Classification: Likely benign for PCNT-related condition. Last evaluated: 2025-10-22. Review status: criteria provided, single submitter. Criteria: ACMG Guidelines, 2015. Collection method: clinical testing. Allele origin: germline.
Comment: This variant is classified as likely benign based on ACMG/AMP sequence variant interpretation guidelines (Richards et al. 2015 PMID: 25741868, with internal and published modifications).

NM_006031.6(PCNT):c.3573G>A (p.Leu1191=)

Gene: PCNT (pericentrin; plus strand). Cytogenetic location: 21q22.3.
Variant type: single nucleotide variant.
Coding change: c.3573G>A on transcript NM_006031.6 (MANE Select); coding-DNA position 3573, G replaced by A.
Protein change: p.Leu1191=; no amino-acid change (leucine 1191 retained).
Molecular consequence: synonymous variant.
Genome position (GRCh38, 1-based): chr21:46,388,850, G>A. VCF-style: chr21-46388850-G-A. GRCh37 (hg19) VCF-style: chr21-47808765-G-A.
Other names: c.3219G>A, p.Leu1073= (NM_001315529.2); c.3573G>A (NM_006031.5).
Identifiers: ClinVar variation 4765739 (VCV004765739.2).